The following is an entry in ClinVar:

NM_001010867.4(IBA57):c.300G>C (p.Leu100=)

Gene: IBA57 (iron-sulfur cluster assembly factor IBA57; plus strand). Cytogenetic location: 1q42.13.
Variant type: single nucleotide variant.
Coding change: c.300G>C on transcript NM_001010867.4 (MANE Select); coding-DNA position 300, G replaced by C.
Protein change: p.Leu100=; no amino-acid change (leucine 100 retained).
Molecular consequence: synonymous variant.
Genome position (GRCh38, 1-based): chr1:228,166,116, G>C. VCF-style: chr1-228166116-G-C. GRCh37 (hg19) VCF-style: chr1-228353817-G-C.
Identifiers: ClinVar variation 390423 (VCV000390423.2), dbSNP rs547119740, ClinGen allele CA16603587.

ClinVar aggregate classification (germline): Likely benign. Review status: criteria provided, multiple submitters, no conflicts (2 of 4 stars). 2 submissions from 2 submitters: Likely benign (2). Last evaluated 2020-03-24.

Allele frequency attached by ClinVar (database versions not stated): gnomAD exomes 0.00002; gnomAD 0.00003; TOPMed 0.00004; 1000 Genomes Project 0.00020.
gnomAD v4.1: 29 of 1,538,674 alleles (0.0019%); highest among the groups gnomAD compares: Non-Finnish European, 0.0024%; no homozygotes.

Submissions (2):

Blueprint Genetics
Classification: Likely benign. Last evaluated: 2020-03-24. Review status: criteria provided, single submitter. Criteria: ACMG Guidelines, 2015. Collection method: clinical testing. Allele origin: germline.

GeneDx
Classification: Likely benign. Last evaluated: 2016-11-03. Review status: criteria provided, single submitter. Criteria: GeneDx Variant Classification (06012015). Collection method: clinical testing. Allele origin: germline. Affected: yes.
Comment: This variant is considered likely benign or benign based on one or more of the following criteria: it is a conservative change, it occurs at a poorly conserved position in the protein, it is predicted to be benign by multiple in silico algorithms, and/or has population frequency not consistent with disease.